The following is an entry in ClinVar:

ClinVar aggregate classification (germline): Uncertain significance (1 of 4 stars; one submission).

Conditions:
CFI-related disorder. Also called: CFI-related condition; CFI-related disorders. Identifiers: MedGen CN239325.

Submission:

Genomenon, Inc
Classification: Uncertain significance for CFI-related disorder. Last evaluated: 2025-09-26. Review status: criteria provided, single submitter. Criteria: Genomenon Sequence Variant Interpretation Standards - Updated. Collection method: curation. Allele origin: germline. Affected: yes.
Comment: CFI p.Ile306Ser (c.917T>G) is a missense variant that changes the amino acid at residue 306 from Isoleucine to Serine. This variant has been observed in at least one proband affected with a CFI-related disorder (PMID:22456601;21188423;20016463;28712854;32510551). Functional studies have been reported; however, the significance of the findings remain unclear (PMID:32510551). It is absent or not present at a significant frequency in gnomAD. In silico models agree that this variant is not damaging. In conclusion, we classify CFI p.Ile306Ser (c.917T>G) as a variant of unknown significance.

Literature cited by the submitters: PubMed 22456601; 21188423; 20016463; 28712854; 32510551.

NM_000204.5(CFI):c.917T>G (p.Ile306Ser)

Gene: CFI (complement factor I; minus strand). Cytogenetic location: 4q25.
Variant type: single nucleotide variant.
Coding change: c.917T>G on transcript NM_000204.5 (MANE Select); coding-DNA position 917, T replaced by G.
Protein change: p.Ile306Ser; replaces isoleucine 306 with serine.
Molecular consequence: missense variant. On other transcripts: non-coding transcript variant (3), intron variant (1).
Genome position (GRCh38, 1-based): chr4:109,752,491, A>C on the plus strand (T>G on the coding strand, the complement: CFI is on the minus strand). VCF-style: chr4-109752491-A-C. GRCh37 (hg19) VCF-style: chr4-110673647-A-C.
Other names: c.941T>G, p.Ile314Ser (NM_001318057.2, NM_001375278.1, NM_001440988.1); c.896T>G, p.Ile299Ser (NM_001331035.2, NM_001375280.1, NM_001375282.1 and 1 more transcripts); c.917T>G, p.Ile306Ser (NM_001375279.1, NM_001375281.1, NM_001440989.1); c.308T>G, p.Ile103Ser (NM_001375284.1); c.938T>G, p.Ile313Ser (NM_001440985.1, NM_001440986.1); c.884-2889T>G (NM_001375283.1); short protein forms I103S, I299S, I306S, I313S, I314S.
Identifiers: ClinVar variation 4280495 (VCV004280495.1).
Genomic context (GRCh38, chr4:109,752,491, plus strand): 5'-AGTGAGCCACCAATAAAAAAGTATAACGTTAGCTTACCTGCATCCATGTCAGCAGTCAAA[A>C]TTTCTGTTTCTTCTATGATAAAACAAAAGATTCCAATGTTTAAAGTTGTTAATTATAGTC-3'
Protein context (NP_000195.3, residues 296-316): FASVTQEETE[Ile306Ser]LTADMDAERR